The following is an entry in ClinVar:

ClinVar aggregate classification (germline): Uncertain significance (1 of 4 stars; one submission).

Allele frequency attached by ClinVar (database versions not stated): gnomAD exomes below 0.00001; gnomAD 0.00001.
gnomAD v4.1: 9 of 1,614,034 alleles (0.00056%); highest among the groups gnomAD compares: East Asian, 0.0022%; no homozygotes.

Submission:

GeneDx
Classification: Uncertain significance. Last evaluated: 2022-06-03. Review status: criteria provided, single submitter. Criteria: GeneDx Variant Classification Process June 2021. Collection method: clinical testing. Allele origin: germline. Affected: yes.
Comment: In silico analysis supports that this missense variant has a deleterious effect on protein structure/function; Has not been previously published as pathogenic or benign to our knowledge; In-silico analysis is inconclusive as to whether the variant alters gene splicing. In the absence of RNA/functional studies, the actual effect of this sequence change is unknown.

NM_001374828.1(ARID1B):c.3593G>A (p.Arg1198Gln)

Gene: ARID1B (AT-rich interaction domain 1B; plus strand). Cytogenetic location: 6q25.3.
Variant type: single nucleotide variant.
Coding change: c.3593G>A on transcript NM_001374828.1 (MANE Select); coding-DNA position 3593, G replaced by A.
Protein change: p.Arg1198Gln; replaces arginine 1198 with glutamine.
Molecular consequence: missense variant.
Genome position (GRCh38, 1-based): chr6:157,181,057, G>A. VCF-style: chr6-157181057-G-A. GRCh37 (hg19) VCF-style: chr6-157502191-G-A.
Other names: c.3224G>A (NM_020732.3); c.1094G>A, p.Arg365Gln (NM_001363725.2); c.3473G>A, p.Arg1158Gln (NM_001371656.1, NM_001374820.1); c.3434G>A, p.Arg1145Gln (NM_017519.3); short protein forms R1145Q, R1158Q, R1198Q, R365Q.
Identifiers: ClinVar variation 1691779 (VCV001691779.2), dbSNP rs940353111, ClinGen allele CA150359188.